The following is an entry in ClinVar:

NM_000349.3(STAR):c.672C>A (p.Cys224Ter)

Gene: STAR (steroidogenic acute regulatory protein; minus strand). Cytogenetic location: 8p11.23.
Variant type: single nucleotide variant.
Coding change: c.672C>A on transcript NM_000349.3 (MANE Select); coding-DNA position 672, C replaced by A.
Protein change: p.Cys224Ter; replaces cysteine 224 with a stop codon.
Molecular consequence: nonsense.
Genome position (GRCh38, 1-based): chr8:38,145,294, G>T on the plus strand (C>A on the coding strand, the complement: STAR is on the minus strand). VCF-style: chr8-38145294-G-T. GRCh37 (hg19) VCF-style: chr8-38002812-G-T.
Other names: short protein forms C224*.
Identifiers: ClinVar variation 4818226 (VCV004818226.1).

ClinVar aggregate classification (germline): Likely pathogenic (1 of 4 stars; one submission).

Conditions:
Congenital lipoid adrenal hyperplasia due to STAR deficency. Also called: ADRENAL HYPERPLASIA I; Congenital Lipoid Adrenal Hyperplasia; Lipoid adrenal hyperplasia; Cholesterol monooxygenase (side-chain cleaving) deficiency. Identifiers: Orphanet 418, Orphanet 90790, MedGen C0342474, MONDO:0008725, OMIM 201710.

Submission:

Natera, Inc.
Classification: Likely pathogenic for Congenital lipoid adrenal hyperplasia. Last evaluated: 2024-05-06. Review status: criteria provided, single submitter. Criteria: Natera Variant Classification Schema (03/2026). Collection method: clinical testing. Allele origin: germline.
Comment: The c.672C>A variant in STAR is a nonsense variant predicted to introduce a stop codon at amino acid 224. This variant is expected to result in nonsense mediated decay, truncation, or a dysfunctional protein product. This variant is rare in the general population with a frequency below the threshold expected for the associated phenotype(s). Given the available evidence, this variant is classified as Likely Pathogenic.